The following is an entry in ClinVar:

ClinVar aggregate classification (germline): Benign/Likely benign. Review status: criteria provided, multiple submitters, no conflicts (2 of 4 stars). 3 submissions from 2 submitters: Benign (2); Likely benign (1). Last evaluated 2018-01-12.

Conditions:
Generalized epilepsy with febrile seizures plus, type 2 (GEFSP2). Also called: GEFS+, TYPE 2. Identifiers: Orphanet 36387, MedGen C1858673, MONDO:0011461, OMIM 604403.
Migraine, familial hemiplegic, 3. Identifiers: Orphanet 569, MedGen C1864987, MONDO:0012320, OMIM 609634.

Allele frequency attached by ClinVar (database versions not stated): gnomAD 0.01529 and 0.01643; TOPMed 0.01802; 1000 Genomes Project 0.01977; 1000 Genomes Project 30x 0.02030.

Submissions (3):

Illumina Laboratory Services, Illumina
Classification: Benign for Migraine, familial hemiplegic, 3. Last evaluated: 2018-01-12. Review status: criteria provided, single submitter. Criteria: ICSL Variant Classification Criteria 13 December 2019. Collection method: clinical testing. Allele origin: germline.
Comment: This variant was observed in the ICSL laboratory as part of a predisposition screen in an ostensibly healthy population. It had not been previously curated by ICSL or reported in the Human Gene Mutation Database (HGMD: prior to June 1st, 2018), and was therefore a candidate for classification through an automated scoring system. Utilizing variant allele frequency, disease prevalence and penetrance estimates, and inheritance mode, an automated score was calculated to assess if this variant is too frequent to cause the disease. Based on the score and internal cut-off values, a variant classified as benign is not then subjected to further curation. The score for this variant resulted in a classification of benign for this disease.

Illumina Laboratory Services, Illumina
Classification: Benign for Generalized epilepsy with febrile seizures plus, type 2. Last evaluated: 2018-01-12. Review status: criteria provided, single submitter. Criteria: ICSL Variant Classification Criteria 13 December 2019. Collection method: clinical testing. Allele origin: germline.
Comment: the same text as in the submission from Illumina Laboratory Services, Illumina above.

Breakthrough Genomics
Classification: Likely benign. Review status: criteria provided, single submitter. Criteria: ACMG Guidelines, 2015. Collection method: not provided. Allele origin: germline. Inheritance: Autosomal dominant inheritance. Affected: yes.

NM_001165963.4(SCN1A):c.*1224G>A

Genes: SCN1A (sodium voltage-gated channel alpha subunit 1; minus strand), LOC102724058 (uncharacterized LOC102724058; plus strand). Cytogenetic location: 2q24.3.
Variant type: single nucleotide variant.
Coding change: c.*1224G>A on transcript NM_001165963.4 (MANE Select); 1224 bases downstream of the stop codon, G replaced by A.
Molecular consequence: 3 prime UTR variant. On other transcripts: non-coding transcript variant (1).
Genome position (GRCh38, 1-based): chr2:165,990,021, C>T on the plus strand (G>A on the coding strand, the complement: SCN1A is on the minus strand). VCF-style: chr2-165990021-C-T. GRCh37 (hg19) VCF-style: chr2-166846531-C-T.
Other names: c.*1224G>A (NM_001165964.3, NM_001202435.3, NM_001353948.2 and 11 more transcripts).
Identifiers: ClinVar variation 331866 (VCV000331866.7), dbSNP rs77088538, ClinGen allele CA10611575.